The following is an entry in ClinVar:

ClinVar aggregate classification (germline): Uncertain significance (1 of 4 stars; one submission).

Submission:

Labcorp Genetics (formerly Invitae), Labcorp
Classification: Uncertain significance. Last evaluated: 2023-01-18. Review status: criteria provided, single submitter. Criteria: Invitae Variant Classification Sherloc (09022015). Collection method: clinical testing. Allele origin: germline.
Comment: In summary, the available evidence is currently insufficient to determine the role of this variant in disease. Therefore, it has been classified as a Variant of Uncertain Significance. Variants that disrupt the consensus splice site are a relatively common cause of aberrant splicing (PMID: 17576681, 9536098). Algorithms developed to predict the effect of sequence changes on RNA splicing suggest that this variant may disrupt the consensus splice site. This variant has not been reported in the literature in individuals affected with COL9A3-related conditions. This variant is not present in population databases (gnomAD no frequency). This sequence change falls in intron 16 of the COL9A3 gene. It does not directly change the encoded amino acid sequence of the COL9A3 protein. It affects a nucleotide within the consensus splice site.

Literature cited by the submitters: PubMed 17576681; PubMed 9536098.

NM_001853.4(COL9A3):c.846+3_846+6del

Gene: COL9A3 (collagen type IX alpha 3 chain; plus strand). Cytogenetic location: 20q13.33.
Variant type: Deletion.
Coding change: c.846+3_846+6del on transcript NM_001853.4 (MANE Select); bases 3 to 6 of the intron after coding-DNA position 846, 4 bases deleted (AAGT; older notation c.846+3_846+6delAAGT).
Molecular consequence: splice donor variant.
Genome position (GRCh38, 1-based): chr20:62,827,297-62,827,300, AAGT deleted; deleting any 4 consecutive bases within chr20:62,827,295-62,827,300 gives the same sequence; the c. name uses the placement nearest the transcript's 3' end. VCF-style (leftmost placement, unchanged base first): chr20-62827294-CGTAA-C. GRCh37 (hg19) VCF-style: chr20-61458646-CGTAA-C.
Identifiers: ClinVar variation 2786014 (VCV002786014.3), dbSNP rs2516049771, ClinGen allele CA645611908.